The following is an entry in ClinVar:

ClinVar aggregate classification (germline): Benign. Review status: criteria provided, multiple submitters, no conflicts (2 of 4 stars). 5 submissions from 5 submitters: Benign (5). Last evaluated 2024-07-24.

Conditions:
Inborn genetic diseases. Identifiers: MedGen C0950123, MeSH D030342.

Allele frequency attached by ClinVar (database versions not stated): gnomAD exomes 0.00124 and 0.00354; TOPMed 0.01474; gnomAD 0.01439 and 0.01354; 1000 Genomes Project 0.01617; ExAC 0.00515; ESP Exome Variant Server 0.01493; 1000 Genomes Project 30x 0.01655.
gnomAD v4.1: 3,951 of 1,610,634 alleles (0.25%); highest among the groups gnomAD compares: African/African-American, 4.7%; 90 homozygotes.

Submissions (5):

Mayo Clinic Laboratories, Mayo Clinic
Classification: Benign. Last evaluated: 2024-07-24. Review status: criteria provided, single submitter. Criteria: ACMG Guidelines, 2015. Collection method: clinical testing. Allele origin: germline. Observed: 3 variant alleles.
Comment: BS1, BS2, BP4, BP7

Labcorp Genetics (formerly Invitae), Labcorp
Classification: Benign. Last evaluated: 2019-12-31. Review status: criteria provided, single submitter. Criteria: Invitae Variant Classification Sherloc (09022015). Collection method: clinical testing. Allele origin: germline.

Ambry Genetics
Classification: Benign for Inborn genetic diseases. Last evaluated: 2016-07-05. Review status: criteria provided, single submitter. Criteria: Ambry Variant Classification Scheme 2023. Collection method: clinical testing. Allele origin: germline.

Genetic Services Laboratory, University of Chicago
Classification: Benign for AllHighlyPenetrant. Last evaluated: 2013-07-08. Review status: criteria provided, single submitter. Criteria: ACMG Guidelines, 2007. Collection method: clinical testing. Allele origin: germline. Inheritance: Autosomal recessive inheritance.

Breakthrough Genomics
Classification: Benign. Review status: criteria provided, single submitter. Criteria: ACMG Guidelines, 2015. Collection method: not provided. Allele origin: germline. Inheritance: Autosomal recessive inheritance. Affected: yes.

NM_004056.6(CA8):c.66A>G (p.Glu22=)

Gene: CA8 (carbonic anhydrase 8 (inactive); minus strand). Cytogenetic location: 8q12.1.
Variant type: single nucleotide variant.
Coding change: c.66A>G on transcript NM_004056.6 (MANE Select); coding-DNA position 66, A replaced by G.
Protein change: p.Glu22=; no amino-acid change (glutamic acid 22 retained).
Molecular consequence: synonymous variant. On other transcripts: non-coding transcript variant (1).
Genome position (GRCh38, 1-based): chr8:60,281,082, T>C on the plus strand (A>G on the coding strand, the complement: CA8 is on the minus strand). VCF-style: chr8-60281082-T-C. GRCh37 (hg19) VCF-style: chr8-61193641-T-C.
Other names: p.Glu22=; c.66A>G, p.Glu22= (NM_001321837.2, NM_001321838.2, NM_001321839.2).
Identifiers: ClinVar variation 128542 (VCV000128542.16), dbSNP rs115885226, ClinGen allele CA152071.